The following is an entry in ClinVar:

ClinVar aggregate classification (germline): Uncertain significance (1 of 4 stars; one submission).

Conditions:
Long QT syndrome (LQTS). Identifiers: MedGen C0023976, MeSH D008133, MONDO:0002442. Disease mechanism: loss of function. Inheritance: Various modes of inheritance.

Submission:

Labcorp Genetics (formerly Invitae), Labcorp
Classification: Uncertain significance for Long QT syndrome. Last evaluated: 2022-07-26. Review status: criteria provided, single submitter. Criteria: Invitae Variant Classification Sherloc (09022015). Collection method: clinical testing. Allele origin: germline.
Comment: In summary, the available evidence is currently insufficient to determine the role of this variant in disease. Therefore, it has been classified as a Variant of Uncertain Significance. Algorithms developed to predict the effect of missense changes on protein structure and function are either unavailable or do not agree on the potential impact of this missense change (SIFT: "Deleterious"; PolyPhen-2: "Probably Damaging"; Align-GVGD: "Class C0"). This variant has not been reported in the literature in individuals affected with CACNA1C-related conditions. This variant is not present in population databases (gnomAD no frequency). This sequence change replaces proline, which is neutral and non-polar, with glutamine, which is neutral and polar, at codon 1956 of the CACNA1C protein (p.Pro1956Gln).

NM_000719.7(CACNA1C):c.5867C>A (p.Pro1956Gln)

Genes: CACNA1C (calcium voltage-gated channel subunit alpha1 C; plus strand), CACNA1C-AS1 (CACNA1C antisense RNA 1; minus strand). Cytogenetic location: 12p13.33.
Variant type: single nucleotide variant.
Coding change: c.5867C>A on transcript NM_000719.7 (MANE Select); coding-DNA position 5867, C replaced by A.
Protein change: p.Pro1956Gln; replaces proline 1956 with glutamine.
Molecular consequence: missense variant.
Genome position (GRCh38, 1-based): chr12:2,688,529, C>A. VCF-style: chr12-2688529-C-A. GRCh37 (hg19) VCF-style: chr12-2797695-C-A.
Other names: c.6011C>A, p.Pro2004Gln (NM_001129827.2); c.5990C>A, p.Pro1997Gln (NM_001129829.2); c.5972C>A, p.Pro1991Gln (NM_001129830.3, NM_001167624.3); c.5951C>A, p.Pro1984Gln (NM_001129831.2); c.5927C>A, p.Pro1976Gln (NM_001129832.2); c.5924C>A, p.Pro1975Gln (NM_001129833.2, NM_001129834.2, NM_001129835.2); c.5918C>A, p.Pro1973Gln (NM_001129836.2); c.5891C>A, p.Pro1964Gln (NM_001129837.2, NM_001129838.2); and 6 more; short protein forms P1945Q, P2016Q, P1964Q, P1976Q, P1984Q, P1997Q, P1962Q, P1973Q.
Identifiers: ClinVar variation 2038908 (VCV002038908.4), dbSNP rs2534833354, ClinGen allele CA383384251.